The following is an entry in ClinVar:

ClinVar aggregate classification (germline): Uncertain significance (1 of 4 stars; one submission).

Conditions:
Epileptic encephalopathy. Identifiers: MedGen C0543888, HP:0200134.

Allele frequency attached by ClinVar (database versions not stated): TOPMed below 0.00001; gnomAD 0.00001.
gnomAD v4.1: 1 of 1,613,874 alleles (0.000062%); highest among the groups gnomAD compares: African/African-American, 0.0013%; no homozygotes.

Submission:

Labcorp Genetics (formerly Invitae), Labcorp
Classification: Uncertain significance for Epileptic encephalopathy. Last evaluated: 2019-07-31. Review status: criteria provided, single submitter. Criteria: Invitae Variant Classification Sherloc (09022015). Collection method: clinical testing. Allele origin: germline.
Comment: This variant is not present in population databases (ExAC no frequency). This sequence change replaces valine with isoleucine at codon 4465 of the RYR3 protein (p.Val4465Ile). The valine residue is moderately conserved and there is a small physicochemical difference between valine and isoleucine. This variant has not been reported in the literature in individuals with RYR3-related conditions. Algorithms developed to predict the effect of missense changes on protein structure and function (SIFT, PolyPhen-2, Align-GVGD) all suggest that this variant is likely to be tolerated, but these predictions have not been confirmed by published functional studies and their clinical significance is uncertain. In summary, the available evidence is currently insufficient to determine the role of this variant in disease. Therefore, it has been classified as a Variant of Uncertain Significance.

NM_001036.6(RYR3):c.13393G>A (p.Val4465Ile)

Gene: RYR3 (ryanodine receptor 3; plus strand). Cytogenetic location: 15q14.
Variant type: single nucleotide variant.
Coding change: c.13393G>A on transcript NM_001036.6 (MANE Select); coding-DNA position 13393, G replaced by A.
Protein change: p.Val4465Ile; replaces valine 4465 with isoleucine.
Molecular consequence: missense variant.
Genome position (GRCh38, 1-based): chr15:33,844,958, G>A. VCF-style: chr15-33844958-G-A. GRCh37 (hg19) VCF-style: chr15-34137159-G-A.
Other names: c.13378G>A, p.Val4460Ile (NM_001243996.4); short protein forms V4465I, V4460I.
Identifiers: ClinVar variation 956066 (VCV000956066.9), dbSNP rs1327424943, ClinGen allele CA391598659.
Genomic context (GRCh38, chr15:33,844,958, plus strand): 5'-GTTGCAAACCTATGGAATTCCTTTAATGACGAGGAAGAGGAAGAAGCGATGGTATTCTTT[G>A]TCCTTCAGGAGAGCACCGGGTATATGGCACCAACCCTGCGTGCCCTGGCCATCATCCATA-3'
Protein context (NP_001027.3, residues 4455-4475): EEEEEAMVFF[Val4465Ile]LQESTGYMAP